The following is an entry in ClinVar:

NM_002662.5(PLD1):c.472C>T (p.Arg158Ter)

Gene: PLD1 (phospholipase D1; minus strand). Cytogenetic location: 3q26.31.
Variant type: single nucleotide variant.
Coding change: c.472C>T on transcript NM_002662.5 (MANE Select); coding-DNA position 472, C replaced by T.
Protein change: p.Arg158Ter; replaces arginine 158 with a stop codon.
Molecular consequence: nonsense.
Genome position (GRCh38, 1-based): chr3:171,734,933, G>A on the plus strand (C>T on the coding strand, the complement: PLD1 is on the minus strand). VCF-style: chr3-171734933-G-A. GRCh37 (hg19) VCF-style: chr3-171452723-G-A.
Other names: c.472C>T, p.Arg158Ter (NM_001130081.3); short protein forms R158*.
Identifiers: ClinVar variation 3239271 (VCV003239271.19), dbSNP rs751346031.

ClinVar aggregate classification (germline): Pathogenic (1 of 4 stars; one submission).

Allele frequency attached by ClinVar (database versions not stated): TOPMed below 0.00001; ExAC 0.00001; gnomAD 0.00001; gnomAD exomes 0.00001.
gnomAD v4.1: 12 of 1,613,016 alleles (0.00074%); highest among the groups gnomAD compares: East Asian, 0.0045%; no homozygotes.

Submission:

CeGaT Center for Human Genetics Tuebingen
Classification: Pathogenic. Last evaluated: 2024-05-01. Review status: criteria provided, single submitter. Criteria: CeGaT Center For Human Genetics Tuebingen Variant Classification Criteria Version 2. Collection method: clinical testing. Allele origin: germline. Affected: yes. Observed: 1 variant allele.
Comment: PLD1: PVS1, PM2